The following is an entry in ClinVar:

ClinVar aggregate classification (germline): Uncertain significance (1 of 4 stars; one submission).

Conditions:
Retinoblastoma (RB1). Also called: RETINOBLASTOMA, SOMATIC. Identifiers: Orphanet 790, MedGen C0035335, MeSH D012175, MONDO:0008380, OMIM 180200, HP:0009919. Disease mechanism: loss of function. Inheritance: Both sporadic and heritable forms are tested..

Submission:

Labcorp Genetics (formerly Invitae), Labcorp
Classification: Uncertain significance for Retinoblastoma. Last evaluated: 2025-05-23. Review status: criteria provided, single submitter. Criteria: Invitae Variant Classification Sherloc (09022015). Collection method: clinical testing. Allele origin: germline.
Comment: This sequence change replaces glutamine, which is neutral and polar, with histidine, which is basic and polar, at codon 736 of the RB1 protein (p.Gln736His). This variant is not present in population databases (gnomAD no frequency). This variant has not been reported in the literature in individuals affected with RB1-related conditions. ClinVar contains an entry for this variant (Variation ID: 1058332). Invitae Evidence Modeling of protein sequence and biophysical properties (such as structural, functional, and spatial information, amino acid conservation, physicochemical variation, residue mobility, and thermodynamic stability) indicates that this missense variant is expected to disrupt RB1 protein function with a positive predictive value of 80%. In summary, the available evidence is currently insufficient to determine the role of this variant in disease. Therefore, it has been classified as a Variant of Uncertain Significance.

NM_000321.3(RB1):c.2208G>C (p.Gln736His)

Gene: RB1 (RB transcriptional corepressor 1; plus strand). Cytogenetic location: 13q14.2.
Variant type: single nucleotide variant.
Coding change: c.2208G>C on transcript NM_000321.3 (MANE Select); coding-DNA position 2208, G replaced by C.
Protein change: p.Gln736His; replaces glutamine 736 with histidine.
Molecular consequence: missense variant.
Genome position (GRCh38, 1-based): chr13:48,463,832, G>C. VCF-style: chr13-48463832-G-C. GRCh37 (hg19) VCF-style: chr13-49037968-G-C.
Other names: short protein forms Q736H.
Identifiers: ClinVar variation 1058332 (VCV001058332.9), dbSNP rs2138342726, ClinGen allele CA388167231.